The following is an entry in ClinVar:

NM_152266.5(FAAP24):c.636G>A (p.Thr212=)

Gene: FAAP24 (FA core complex associated protein 24; plus strand). Cytogenetic location: 19q13.11.
Variant type: single nucleotide variant.
Coding change: c.636G>A on transcript NM_152266.5 (MANE Select); coding-DNA position 636, G replaced by A.
Protein change: p.Thr212=; no amino-acid change (threonine 212 retained).
Molecular consequence: synonymous variant.
Genome position (GRCh38, 1-based): chr19:32,976,670, G>A. VCF-style: chr19-32976670-G-A. GRCh37 (hg19) VCF-style: chr19-33467576-G-A.
Other names: c.351G>A, p.Thr117= (NM_001300978.2).
Identifiers: ClinVar variation 2628141 (VCV002628141.2), dbSNP rs7258185, ClinGen allele CA9360190.

ClinVar aggregate classification (germline): Benign (1 of 4 stars; one submission).

Allele frequency attached by ClinVar (database versions not stated): gnomAD exomes 0.24049; ESP Exome Variant Server 0.25496; ExAC 0.26362; 1000 Genomes Project 0.26877; gnomAD 0.26962; 1000 Genomes Project 30x 0.27389; TOPMed 0.27714.
gnomAD v4.1: 392,652 of 1,613,800 alleles (24%); highest among the groups gnomAD compares: Admixed American, 42%; 49,822 homozygotes.

Submission:

Unidad de Genómica Garrahan, Hospital de Pediatría Garrahan
Classification: Benign. Last evaluated: 2023-11-12. Review status: criteria provided, single submitter. Criteria: ACMG Guidelines, 2015. Collection method: clinical testing. Allele origin: germline. Affected: no. Observed: 59 variant alleles.
Comment: This variant is classified as Benign based on local population frequency. This variant was detected in 61% of patients studied by a panel of primary immunodeficiencies. Number of patients: 59. Only high quality variants are reported.